The following is an entry in ClinVar:

ClinVar aggregate classification (germline): Conflicting classifications of pathogenicity. Review status: criteria provided, conflicting classifications (1 of 4 stars). 3 submissions from 2 submitters: Uncertain significance (2); Likely benign (1). Last evaluated 2025-10-01.

Conditions:
Neurodevelopmental disorder with or without hyperkinetic movements and seizures, autosomal recessive. Identifiers: MedGen C4693325, MONDO:0060629, OMIM 617820.
Neurodevelopmental disorder with or without hyperkinetic movements and seizures, autosomal dominant. Also called: Intellectual disability, autosomal dominant 8. Identifiers: MedGen C3280282, MONDO:0013655, OMIM 614254.
Developmental and epileptic encephalopathy 101 (DEE101). Identifiers: MedGen C5676955, MONDO:0030727, OMIM 619814.

Allele frequency attached by ClinVar (database versions not stated): gnomAD 0.00001; TOPMed 0.00002.
gnomAD v4.1: 15 of 1,610,648 alleles (0.00093%); highest among the groups gnomAD compares: East Asian, 0.025%; no homozygotes.

Submissions (3):

Labcorp Genetics (formerly Invitae), Labcorp
Classification: Likely benign for Neurodevelopmental disorder with or without hyperkinetic movements and seizures, autosomal dominant. Last evaluated: 2025-10-01. Review status: criteria provided, single submitter. Criteria: Invitae Variant Classification Sherloc (09022015). Collection method: clinical testing. Allele origin: germline.

Center for Genomics, Ann and Robert H. Lurie Children's Hospital of Chicago
Classification: Uncertain significance for Neurodevelopmental disorder with or without hyperkinetic movements and seizures, autosomal dominant. Last evaluated: 2018-10-24. Review status: criteria provided, single submitter. Criteria: ACMG Guidelines, 2015. Collection method: clinical testing. Allele origin: germline.
Comment: GRIN1 NM_007327.3 exon 6 p.Pro319= (c.957G>A): This variant has not been reported in the literature and is present in 0.03% (6/19618) of East Asian alleles in the Genome Aggregation Database. Evolutionary conservation and computational predictive tools for this variant are limited or unavailable. Of note, this variant is a silent variant and does not change the amino acid, reducing the probability that this variant is disease causing. In summary, data on this variant is insufficient for disease classification. Therefore, the clinical significance of this variant is uncertain.

Center for Genomics, Ann and Robert H. Lurie Children's Hospital of Chicago
Classification: Uncertain significance for Neurodevelopmental disorder with or without hyperkinetic movements and seizures, autosomal recessive; Developmental and epileptic encephalopathy 101; Neurodevelopmental disorder with or without hyperkinetic movements and seizures, autosomal dominant. Review status: criteria provided, single submitter. Criteria: ACMG Guidelines, 2015. Collection method: clinical testing. Allele origin: germline.
Comment: the same text as in the submission from Center for Genomics, Ann and Robert H. Lurie Children's Hospital of Chicago above.

NM_007327.4(GRIN1):c.957G>A (p.Pro319=)

Gene: GRIN1 (glutamate ionotropic receptor NMDA type subunit 1; plus strand). Cytogenetic location: 9q34.3.
Variant type: single nucleotide variant.
Coding change: c.957G>A on transcript NM_007327.4 (MANE Select); coding-DNA position 957, G replaced by A.
Protein change: p.Pro319=; no amino-acid change (proline 319 retained).
Molecular consequence: synonymous variant.
Genome position (GRCh38, 1-based): chr9:137,157,026, G>A. VCF-style: chr9-137157026-G-A. GRCh37 (hg19) VCF-style: chr9-140051478-G-A.
Other names: c.957G>A, p.Pro319= (NM_000832.7, NM_021569.4); c.1020G>A, p.Pro340= (NM_001185090.2, NM_001185091.2).
Identifiers: ClinVar variation 625956 (VCV000625956.7), dbSNP rs766888803, ClinGen allele CA5360786.
Genomic context (GRCh38, chr9:137,157,026, plus strand): 5'-GAACATCACCGACCCGCCGCGGGGCTGCGTGGGCAACACCAACATCTGGAAGACCGGGCC[G>A]CTCTTCAAGAGGTGGGCGGGGCCTCCCCGGAGCTGGGCGGGGCTGCTCTTGGGGAGGTGG-3'
Protein context (NP_015566.1, residues 309-329): VGNTNIWKTG[Pro319=]LFKRVLMSSK